The following is an entry in ClinVar:

ClinVar aggregate classification (germline): Uncertain significance (1 of 4 stars; one submission).

Submission:

Labcorp Genetics (formerly Invitae), Labcorp
Classification: Uncertain significance. Last evaluated: 2025-02-25. Review status: criteria provided, single submitter. Criteria: Invitae Variant Classification Sherloc (09022015). Collection method: clinical testing. Allele origin: germline.
Comment: This sequence change replaces serine, which is neutral and polar, with phenylalanine, which is neutral and non-polar, at codon 1003 of the SETD5 protein (p.Ser1003Phe). This variant is not present in population databases (gnomAD no frequency). This variant has not been reported in the literature in individuals affected with SETD5-related conditions. Invitae Evidence Modeling of protein sequence and biophysical properties (such as structural, functional, and spatial information, amino acid conservation, physicochemical variation, residue mobility, and thermodynamic stability) indicates that this missense variant is expected to disrupt SETD5 protein function with a positive predictive value of 80%. In summary, the available evidence is currently insufficient to determine the role of this variant in disease. Therefore, it has been classified as a Variant of Uncertain Significance.

NM_001080517.3(SETD5):c.3008C>T (p.Ser1003Phe)

Gene: SETD5 (SET domain containing 5; plus strand). Cytogenetic location: 3p25.3.
Variant type: single nucleotide variant.
Coding change: c.3008C>T on transcript NM_001080517.3 (MANE Select); coding-DNA position 3008, C replaced by T.
Protein change: p.Ser1003Phe; replaces serine 1003 with phenylalanine.
Molecular consequence: missense variant.
Genome position (GRCh38, 1-based): chr3:9,470,742, C>T. VCF-style: chr3-9470742-C-T. GRCh37 (hg19) VCF-style: chr3-9512426-C-T.
Other names: c.2714C>T, p.Ser905Phe (NM_001292043.2, NM_001349451.2); c.3104C>T, p.Ser1035Phe (NM_001437633.1); c.3122C>T, p.Ser1041Phe (NM_001437635.1); c.3065C>T, p.Ser1022Phe (NM_001437643.1); c.3047C>T, p.Ser1016Phe (NM_001437701.1); short protein forms S1016F, S1035F, S905F, S1003F, S1041F, S1022F.
Identifiers: ClinVar variation 4710393 (VCV004710393.1).
Genomic context (GRCh38, chr3:9,470,742, plus strand): 5'-TGATGTATGCCTACTCCCCTTTGAATGCTATGCCTCGAGCAGATGGACTGTATCGAGGAT[C>T]TCCTCTAGTGGGGGATAGGAAGCCTTTACATTTGGATGGGGGATATTGTTCCCCTGCAGA-3'
Protein context (NP_001073986.1, residues 993-1013): MPRADGLYRG[Ser1003Phe]PLVGDRKPLH